The following is an entry in ClinVar:

NM_001369.3(DNAH5):c.9782del (p.Lys3261fs)

Gene: DNAH5 (dynein axonemal heavy chain 5; minus strand). Cytogenetic location: 5p15.2.
Variant type: Deletion.
Coding change: c.9782del on transcript NM_001369.3 (MANE Select); coding-DNA position 9782, one base deleted (A; older notation c.9782delA).
Protein change: p.Lys3261fs; shifts the reading frame from lysine 3261.
Molecular consequence: frameshift variant.
Genome position (GRCh38, 1-based): chr5:13,769,075, T deleted on the plus strand (A on the coding strand, the reverse complement: DNAH5 is on the minus strand); the first of 2 consecutive T bases (chr5:13,769,075-13,769,076); deleting either gives the same sequence. VCF-style (leftmost placement, unchanged base first): chr5-13769074-CT-C. GRCh37 (hg19) VCF-style: chr5-13769183-CT-C.
Other names: short protein forms K3261fs.
Identifiers: ClinVar variation 2701499 (VCV002701499.4), dbSNP rs2546656413, ClinGen allele CA2697547057.

ClinVar aggregate classification (germline): Pathogenic. Review status: criteria provided, multiple submitters, no conflicts (2 of 4 stars). 2 submissions from 2 submitters: Pathogenic (2). Last evaluated 2025-03-08.

Conditions:
Primary ciliary dyskinesia 3. Identifiers: Orphanet 244, MedGen C1837618, MONDO:0012085, OMIM 608644.
Primary ciliary dyskinesia. Also called: Ciliary dyskinesia. Identifiers: Orphanet 244, MedGen C0008780, MONDO:0016575, HP:0012265.

Submissions (2):

Myriad Genetics, Inc.
Classification: Pathogenic for Primary ciliary dyskinesia 3. Last evaluated: 2025-03-08. Review status: criteria provided, single submitter. Criteria: Myriad Autosomal Dominant, Autosomal Recessive and X-Linked Classification Criteria (2023). Collection method: clinical testing. Allele origin: unknown.
Comment: NM_001369.2(DNAH5):c.9782delA(K3261Rfs*2) is expected to be pathogenic in the context of primary ciliary dyskinesia, DNAH5-related. This variant is predicted to lead to an abnormal or absent protein product due to the creation of a premature termination codon in DNAH5, a gene where loss-of-function variants are known to be pathogenic. Please note: this variant was assessed in the context of healthy population screening.

Labcorp Genetics (formerly Invitae), Labcorp
Classification: Pathogenic for Primary ciliary dyskinesia. Last evaluated: 2023-12-09. Review status: criteria provided, single submitter. Criteria: Invitae Variant Classification Sherloc (09022015). Collection method: clinical testing. Allele origin: germline.
Comment: This sequence change creates a premature translational stop signal (p.Lys3261Argfs*2) in the DNAH5 gene. It is expected to result in an absent or disrupted protein product. Loss-of-function variants in DNAH5 are known to be pathogenic (PMID: 11788826, 16627867). This variant is not present in population databases (gnomAD no frequency). This variant has not been reported in the literature in individuals affected with DNAH5-related conditions. Algorithms developed to predict the effect of sequence changes on RNA splicing suggest that this variant may disrupt the consensus splice site. For these reasons, this variant has been classified as Pathogenic.

Literature cited by the submitters: PubMed 11788826 (cited by Labcorp Genetics (formerly Invitae), Labcorp); PubMed 16627867 (cited by Labcorp Genetics (formerly Invitae), Labcorp).